The following is an entry in ClinVar:

ClinVar aggregate classification (germline): Uncertain significance. Review status: criteria provided, multiple submitters, no conflicts (2 of 4 stars). 2 submissions from 2 submitters: Uncertain significance (2). Last evaluated 2023-06-21.

Submissions (2):

GeneDx
Classification: Uncertain significance. Last evaluated: 2023-06-21. Review status: criteria provided, single submitter. Criteria: GeneDx Variant Classification Process June 2021. Collection method: clinical testing. Allele origin: germline. Affected: yes.
Comment: In-frame duplication of 3 amino acids in a non-repeat region; Has not been previously published as pathogenic or benign to our knowledge

Labcorp Genetics (formerly Invitae), Labcorp
Classification: Uncertain significance. Last evaluated: 2022-07-21. Review status: criteria provided, single submitter. Criteria: Invitae Variant Classification Sherloc (09022015). Collection method: clinical testing. Allele origin: germline.
Comment: In summary, the available evidence is currently insufficient to determine the role of this variant in disease. Therefore, it has been classified as a Variant of Uncertain Significance. This variant has not been reported in the literature in individuals affected with ARID1B-related conditions. This variant is present in population databases (no rsID available, gnomAD 0.01%). This variant, c.428_436dup, results in the insertion of 3 amino acid(s) of the ARID1B protein (p.Ala143_Gly145dup), but otherwise preserves the integrity of the reading frame.

NM_001374828.1(ARID1B):c.677_685dup (p.Gly228_Gly229insAlaGlyGly)

Genes: ARID1B (AT-rich interaction domain 1B; plus strand), LOC115308161 (uncharacterized LOC115308161; minus strand). Cytogenetic location: 6q25.3.
Variant type: Duplication.
Coding change: c.677_685dup on transcript NM_001374828.1 (MANE Select); coding-DNA positions 677 to 685, 9 bases duplicated (CGGGCGGCG; older notation c.677_685dupCGGGCGGCG).
Protein change: p.Gly228_Gly229insAlaGlyGly.
Molecular consequence: inframe insertion. On other transcripts: non-coding transcript variant (1), inframe indel (3).
Genome position (GRCh38, 1-based): chr6:156,778,357-156,778,365, CGGGCGGCG duplicated; duplicating any 9 consecutive bases within chr6:156,778,349-156,778,365 gives the same sequence; the c. name uses the placement nearest the transcript's 3' end. VCF-style (leftmost placement, unchanged base first): chr6-156778348-T-TGGGCGGCGC. GRCh37 (hg19) VCF-style: chr6-157099482-T-TGGGCGGCGC.
Other names: c.428_436dup, p.Gly145_Gly146insAlaGlyGly (NM_001346813.1, NM_020732.3); c.677_685dup, p.Gly228_Gly229insAlaGlyGly (NM_001371656.1, NM_001374820.1, NM_017519.3); c.254_262dup, p.Gly87_Gly88insAlaGlyGly (NM_175863.2).
Identifiers: ClinVar variation 2192312 (VCV002192312.5), dbSNP rs1444106814, ClinGen allele CA571907155.